The following is an entry in ClinVar:

NM_000052.7(ATP7A):c.1060A>T (p.Thr354Ser)

Gene: ATP7A (ATPase copper transporting alpha; plus strand). Cytogenetic location: Xq21.1.
Variant type: single nucleotide variant.
Coding change: c.1060A>T on transcript NM_000052.7 (MANE Select); coding-DNA position 1060, A replaced by T.
Protein change: p.Thr354Ser; replaces threonine 354 with serine.
Molecular consequence: missense variant.
Genome position (GRCh38, 1-based): chrX:77,989,682, A>T. VCF-style: chrX-77989682-A-T. GRCh37 (hg19) VCF-style: chrX-77245178-A-T.
Other names: c.1060A>T, p.Thr354Ser (NM_001282224.2); short protein forms T354S.
Identifiers: ClinVar variation 2140269 (VCV002140269.3), dbSNP rs1557231859, ClinGen allele CA413601726.
Genomic context (GRCh38, chrX:77,989,682, plus strand): 5'-GCAATAGAGGCTGTATCACCGGGGCTATATAGAGTTAGTATCACAAGTGAAGTTGAGAGT[A>T]CCTCAAACTCTCCCTCCAGCTCATCTCTTCAGAAGATTCCTTTGAATGTAGTTAGCCAGC-3'
Protein context (NP_000043.4, residues 344-364): RVSITSEVES[Thr354Ser]SNSPSSSSLQ

ClinVar aggregate classification (germline): Uncertain significance (1 of 4 stars; one submission).

Conditions:
Menkes kinky-hair syndrome (MNK). Also called: Copper transport disease; Menkes Disease; Classic Menkes Disease. Identifiers: Orphanet 565, MedGen C0022716, MONDO:0010651, OMIM 309400.
Cutis laxa, X-linked (OHS). Also called: EDS IX; Occipital horn syndrome. Identifiers: Orphanet 198, MedGen C0268353, MONDO:0010572, OMIM 304150.
X-linked distal spinal muscular atrophy type 3. Also called: SPINAL MUSCULAR ATROPHY, DISTAL, X-LINKED RECESSIVE; NEURONOPATHY, DISTAL HEREDITARY MOTOR, X-LINKED; NEUROPATHY, DISTAL HEREDITARY MOTOR, X-LINKED; ATP7A-Related Distal Motor Neuropathy. Identifiers: Orphanet 139557, MedGen C1845359, MONDO:0010338, OMIM 300489.

gnomAD v4.1: 1 of 1,209,352 alleles (0.000083%); highest among the groups gnomAD compares: African/African-American, 0.0018%; no homozygotes.

Submission:

Labcorp Genetics (formerly Invitae), Labcorp
Classification: Uncertain significance for X-linked distal spinal muscular atrophy type 3; Cutis laxa, X-linked; Menkes kinky-hair syndrome. Last evaluated: 2025-10-24. Review status: criteria provided, single submitter. Criteria: Invitae Variant Classification Sherloc (09022015). Collection method: clinical testing. Allele origin: germline.
Comment: This sequence change replaces threonine, which is neutral and polar, with serine, which is neutral and polar, at codon 354 of the ATP7A protein (p.Thr354Ser). This variant is not present in population databases (gnomAD no frequency). This variant has not been reported in the literature in individuals affected with ATP7A-related conditions. ClinVar contains an entry for this variant (Variation ID: 2140269). Invitae Evidence Modeling of protein sequence and biophysical properties (such as structural, functional, and spatial information, amino acid conservation, physicochemical variation, residue mobility, and thermodynamic stability) indicates that this missense variant is not expected to disrupt ATP7A protein function with a negative predictive value of 95%. In summary, the available evidence is currently insufficient to determine the role of this variant in disease. Therefore, it has been classified as a Variant of Uncertain Significance.